The following is an entry in ClinVar:

NM_000059.4(BRCA2):c.7654dup (p.Ile2552fs)

Gene: BRCA2 (BRCA2 DNA repair associated; plus strand). Cytogenetic location: 13q13.1.
Variant type: Duplication.
Coding change: c.7654dup on transcript NM_000059.4 (MANE Select); coding-DNA position 7654, one base duplicated (A; older notation c.7654dupA).
Protein change: p.Ile2552fs; shifts the reading frame from isoleucine 2552.
Molecular consequence: frameshift variant.
Genome position (GRCh38, 1-based): chr13:32,357,778, A duplicated; the last of 5 consecutive A bases (chr13:32,357,774-32,357,778); duplicating any one gives the same sequence. VCF-style (leftmost placement, unchanged base first): chr13-32357773-T-TA. GRCh37 (hg19) VCF-style: chr13-32931910-T-TA.
Other names: 7882dupA; 7882INSA; short protein forms I2552fs.
Identifiers: ClinVar variation 252846 (VCV000252846.19), dbSNP rs879255463, ClinGen allele CA10586078.

ClinVar aggregate classification (germline): Pathogenic. Review status: reviewed by expert panel (3 of 4 stars). 8 submissions from 8 submitters: Pathogenic (1). 7 of the submissions do not count toward it. Last evaluated 2016-10-18.

Conditions:
Hereditary cancer-predisposing syndrome. Also called: Tumor predisposition; Hereditary Cancer Syndrome; Neoplastic Syndromes, Hereditary; Hereditary neoplastic syndrome. Identifiers: Orphanet 140162, MedGen C0027672, MeSH D009386, MONDO:0015356.
Hereditary breast ovarian cancer syndrome. Also called: Hereditary breast and ovarian cancer; Breast and ovarian cancer; Hereditary breast and/or ovarian cancer syndrome; BRCA1- and BRCA2-Associated Hereditary Breast and Ovarian Cancer; Hereditary breast and ovarian cancer syndrome; Hereditary breast and ovarian cancer syndrome (HBOC). Identifiers: Orphanet 145, MedGen C0677776, MeSH D061325, MONDO:0003582. Disease mechanism: loss of function.
Breast-ovarian cancer, familial, susceptibility to, 2 (BROVCA2). Also called: BRCA2 Hereditary Breast and Ovarian Cancer. Identifiers: Orphanet 145, MedGen C2675520, MONDO:0012933, OMIM 612555. Disease mechanism: loss of function.

Submissions (8):

Evidence-based Network for the Interpretation of Germline Mutant Alleles (ENIGMA)
Classification: Pathogenic for Breast-ovarian cancer, familial, susceptibility to, 2. Last evaluated: 2016-10-18. Review status: reviewed by expert panel. Criteria: ENIGMA BRCA1/2 Classification Criteria (2015). Collection method: curation. Allele origin: germline.
Comment: Variant allele predicted to encode a truncated non-functional protein.

GeneKor MSA
Classification: Pathogenic for Hereditary breast ovarian cancer syndrome. Last evaluated: 2025-05-15. Review status: criteria provided, single submitter. Criteria: ACMG Guidelines, 2015. Collection method: clinical testing. Allele origin: germline. Not counted in ClinVar's aggregate classification.
Comment: This sequence change inserts one base in exon 16 of the BRCA2 mRNA (c.7654dupA) causing a frameshift after codon 2552 and the creation of a premature translation stop signal 2 amino acid residues later p.(Ile2552Asnfs*2). This is expected to result in an absent or disrupted protein product. Truncating variants in BRCA2 are known to be pathogenic. This variant has been reported in the international literature in Algerian women affected with breast cancer (PMID:26997744). The mutation database ClinVar contains entries for this variant where it is listed as pathogenic (VCV000252846.17). For these reasons this variant has been classified as pathogenic.

Labcorp Genetics (formerly Invitae), Labcorp
Classification: Pathogenic for Hereditary breast ovarian cancer syndrome. Last evaluated: 2023-11-03. Review status: criteria provided, single submitter. Criteria: Invitae Variant Classification Sherloc (09022015). Collection method: clinical testing. Allele origin: germline. Not counted in ClinVar's aggregate classification.
Comment: This sequence change creates a premature translational stop signal (p.Ile2552Asnfs*2) in the BRCA2 gene. It is expected to result in an absent or disrupted protein product. Loss-of-function variants in BRCA2 are known to be pathogenic (PMID: 20104584). This variant is not present in population databases (gnomAD no frequency). This premature translational stop signal has been observed in individual(s) with breast cancer (PMID: 26997744). ClinVar contains an entry for this variant (Variation ID: 252846). For these reasons, this variant has been classified as Pathogenic.

Ambry Genetics
Classification: Pathogenic for Hereditary cancer-predisposing syndrome. Last evaluated: 2022-03-03. Review status: criteria provided, single submitter. Criteria: Ambry Variant Classification Scheme 2023. Collection method: clinical testing. Allele origin: germline. Not counted in ClinVar's aggregate classification.
Comment: The c.7654dupA pathogenic mutation, located in coding exon 15 of the BRCA2 gene, results from a duplication of A at nucleotide position 7654, causing a translational frameshift with a predicted alternate stop codon (p.I2552Nfs*2). This alteration was identified in multiple individuals diagnosed with breast cancer (Henouda S et al. Dis Markers, 2016 Feb;2016:7869095; Corsini C et al. Breast Cancer Res Treat, 2017 Nov;166:631-639; Belaiba F et al. Asian Pac J Cancer Prev, 2018 Oct;19:2963-2972; Mehemmai C et al. Pathol Oncol Res, 2020 Apr;26:715-726; Hamdi Y et al. Front Oncol, 2021 Aug;11:674965). This variant is considered to be rare based on population cohorts in the Genome Aggregation Database (gnomAD). In addition to the clinical data presented in the literature, this alteration is expected to result in loss of function by premature protein truncation or nonsense-mediated mRNA decay. As such, this alteration is interpreted as a disease-causing mutation.

Consortium of Investigators of Modifiers of BRCA1/2 (CIMBA), c/o University of Cambridge
Classification: Pathogenic for Breast-ovarian cancer, familial, susceptibility to, 2. Last evaluated: 2015-10-02. Review status: criteria provided, single submitter. Criteria: CIMBA Mutation Classification guidelines May 2016. Collection method: clinical testing. Allele origin: germline. Not counted in ClinVar's aggregate classification.

Biomedical Genomics and Oncogenetics Laboratory, Institut Pasteur de Tunis, University Tunis El Manar
Classification: Pathogenic for Breast-ovarian cancer, familial, susceptibility to, 2. Review status: criteria provided, single submitter. Criteria: ACMG Guidelines, 2015. Collection method: clinical testing. Allele origin: germline. Affected: yes. Observed: 2 variant alleles. Not counted in ClinVar's aggregate classification.

University of Science and Technology Houari Boumediene, Laboratory of Molecular and Cellular Biology (LBCM)
Classification: Pathogenic for Breast-ovarian cancer, familial, susceptibility to, 2. Review status: criteria provided, single submitter. Criteria: ACMG Guidelines, 2015. Collection method: clinical testing. Allele origin: germline. Inheritance: Autosomal dominant inheritance. Affected: yes. Observed: 1 heterozygote. Not counted in ClinVar's aggregate classification.

Sharing Clinical Reports Project (SCRP)
Classification: Pathogenic for Breast-ovarian cancer, familial 2. Last evaluated: 2008-03-17. Review status: no assertion criteria provided. Collection method: clinical testing. Allele origin: germline. Not counted in ClinVar's aggregate classification.

Literature cited by the submitters: PubMed 26997744 (cited by 3 submitters); PubMed 20104584 (cited by Labcorp Genetics (formerly Invitae), Labcorp); PubMed 28779219 (cited by Ambry Genetics); PubMed 30362333 (cited by Ambry Genetics); PubMed 30715675 (cited by Ambry Genetics and University of Science and Technology Houari Boumediene, Laboratory of Molecular and Cellular Biology (LBCM)); PubMed 34490083 (cited by Ambry Genetics).